The following is an entry in ClinVar:

ClinVar aggregate classification (germline): Likely benign (1 of 4 stars; one submission).

Submission:

CeGaT Center for Human Genetics Tuebingen
Classification: Likely benign. Last evaluated: 2025-01-01. Review status: criteria provided, single submitter. Criteria: CeGaT Center For Human Genetics Tuebingen Variant Classification Criteria Version 2. Collection method: clinical testing. Allele origin: germline. Affected: yes. Observed: 1 variant allele.
Comment: PLXNB3: PM2:Supporting, BP4, BP7

NM_005393.3(PLXNB3):c.3435G>A (p.Gln1145=)

Gene: PLXNB3 (plexin B3; plus strand). Cytogenetic location: Xq28.
Variant type: single nucleotide variant.
Coding change: c.3435G>A on transcript NM_005393.3 (MANE Select); coding-DNA position 3435, G replaced by A.
Protein change: p.Gln1145=; no amino-acid change (glutamine 1145 retained).
Molecular consequence: synonymous variant.
Genome position (GRCh38, 1-based): chrX:153,774,014, G>A. VCF-style: chrX-153774014-G-A. GRCh37 (hg19) VCF-style: chrX-153039469-G-A.
Other names: c.3504G>A, p.Gln1168= (NM_001163257.2).
Identifiers: ClinVar variation 3771706 (VCV003771706.13).